The following is an entry in ClinVar:

ClinVar aggregate classification (germline): Uncertain significance. Review status: criteria provided, multiple submitters, no conflicts (2 of 4 stars). 6 submissions from 5 submitters: Uncertain significance (5). 1 of the submissions does not count toward it. Last evaluated 2025-07-10.

Conditions:
Inborn genetic diseases. Identifiers: MedGen C0950123, MeSH D030342.
Usher syndrome type 2A. Also called: USHER SYNDROME, TYPE IIA; RETINAL DISEASE IN USHER SYNDROME TYPE IIA, MODIFIER OF. Identifiers: Orphanet 231178, Orphanet 886, MedGen C1848634, MONDO:0010169, OMIM 276901.
Retinitis pigmentosa 39 (RP39). Identifiers: Orphanet 791, MedGen C3151138, MONDO:0013436, OMIM 613809.

Allele frequency attached by ClinVar (database versions not stated): gnomAD 0.00001; TOPMed 0.00002.
gnomAD v4.1: 14 of 1,613,584 alleles (0.00087%); highest among the groups gnomAD compares: Admixed American, 0.0033%; no homozygotes.

Submissions (6):

Labcorp Genetics (formerly Invitae), Labcorp
Classification: Uncertain significance. Last evaluated: 2025-07-10. Review status: criteria provided, single submitter. Criteria: Invitae Variant Classification Sherloc (09022015). Collection method: clinical testing. Allele origin: germline.
Comment: This sequence change replaces proline, which is neutral and non-polar, with serine, which is neutral and polar, at codon 4732 of the USH2A protein (p.Pro4732Ser). This variant is present in population databases (rs55838724, gnomAD 0.004%). This variant has not been reported in the literature in individuals affected with USH2A-related conditions. ClinVar contains an entry for this variant (Variation ID: 1041351). Invitae Evidence Modeling of protein sequence and biophysical properties (such as structural, functional, and spatial information, amino acid conservation, physicochemical variation, residue mobility, and thermodynamic stability) indicates that this missense variant is expected to disrupt USH2A protein function with a positive predictive value of 80%. In summary, the available evidence is currently insufficient to determine the role of this variant in disease. Therefore, it has been classified as a Variant of Uncertain Significance.

Ambry Genetics
Classification: Uncertain significance for Inborn genetic diseases. Last evaluated: 2025-05-01. Review status: criteria provided, single submitter. Criteria: Ambry Variant Classification Scheme 2023. Collection method: clinical testing. Allele origin: germline.

Genome-Nilou Lab
Classification: Uncertain significance for Retinitis pigmentosa 39. Last evaluated: 2023-11-04. Review status: criteria provided, single submitter. Criteria: ACMG Guidelines, 2015. Collection method: clinical testing. Allele origin: germline. Affected: no.

Genome-Nilou Lab
Classification: Uncertain significance for Usher syndrome type 2A. Last evaluated: 2023-11-04. Review status: criteria provided, single submitter. Criteria: ACMG Guidelines, 2015. Collection method: clinical testing. Allele origin: germline. Affected: no.

Fulgent Genetics
Classification: Uncertain significance for Usher syndrome type 2A; Retinitis pigmentosa 39. Last evaluated: 2022-02-15. Review status: criteria provided, single submitter. Criteria: ACMG Guidelines, 2015. Collection method: clinical testing. Allele origin: unknown.

Natera, Inc.
Classification: Uncertain significance for Usher syndrome type 2A. Last evaluated: 2020-03-04. Review status: no assertion criteria provided. Collection method: clinical testing. Allele origin: germline. Not counted in ClinVar's aggregate classification.

NM_206933.4(USH2A):c.14194C>T (p.Pro4732Ser)

Gene: USH2A (usherin; minus strand). Cytogenetic location: 1q41.
Variant type: single nucleotide variant.
Coding change: c.14194C>T on transcript NM_206933.4 (MANE Select); coding-DNA position 14194, C replaced by T.
Protein change: p.Pro4732Ser; replaces proline 4732 with serine.
Molecular consequence: missense variant.
Genome position (GRCh38, 1-based): chr1:215,650,741, G>A on the plus strand (C>T on the coding strand, the complement: USH2A is on the minus strand). VCF-style: chr1-215650741-G-A. GRCh37 (hg19) VCF-style: chr1-215824083-G-A.
Other names: c.14194C>T (NM_206933.2); short protein forms P4732S.
Identifiers: ClinVar variation 1041351 (VCV001041351.7), dbSNP rs55838724, ClinGen allele CA1393096.
Genomic context (GRCh38, chr1:215,650,741, plus strand): 5'-CTGCTTGGGTAGAAGAGATCACATGGAACGTGGGGGCTCTGAGACCTTCTGGTGGGGCTG[G>A]CCCGGTTCTGCACCATGTCCAGCTACTGGGGGCTTTTCCTGCAGAATTCACTGCCCAGAC-3'
Protein context (NP_996816.3, residues 4722-4742): PSSWTWCRTG[Pro4732Ser]APPEGLRAPT